The following is an entry in ClinVar:

ClinVar aggregate classification (germline): Uncertain significance (1 of 4 stars; one submission).

Submission:

Labcorp Genetics (formerly Invitae), Labcorp
Classification: Uncertain significance. Last evaluated: 2022-05-29. Review status: criteria provided, single submitter. Criteria: Invitae Variant Classification Sherloc (09022015). Collection method: clinical testing. Allele origin: germline.
Comment: Information on the frequency of this variant in the gnomAD database is not available, as this variant may be reported differently in the database. This sequence change falls in intron 30 of the PLXNA1 gene. It does not directly change the encoded amino acid sequence of the PLXNA1 protein. This variant has been observed in individual(s) with clinical features of Kallmann syndrome (Invitae). In summary, the available evidence is currently insufficient to determine the role of this variant in disease. Therefore, it has been classified as a Variant of Uncertain Significance. Experimental studies and prediction algorithms are not available or were not evaluated, and the effect of this variant on mRNA splicing is currently unknown.

NM_032242.4(PLXNA1):c.5595+10_5595+11inv

Gene: PLXNA1 (plexin A1; plus strand). Cytogenetic location: 3q21.3.
Variant type: Inversion.
Coding change: c.5595+10_5595+11inv on transcript NM_032242.4 (MANE Select).
Molecular consequence: intron variant.
Genome position: GRCh38 VCF-style: chr3-127032846-GT-AC. GRCh37 (hg19) VCF-style: chr3-126751689-GT-AC.
Identifiers: ClinVar variation 2175284 (VCV002175284.4), ClinGen allele CA2580068673.